The following is an entry in ClinVar:

NM_017617.5(NOTCH1):c.3596T>C (p.Leu1199Pro)

Gene: NOTCH1 (notch receptor 1; minus strand). Cytogenetic location: 9q34.3.
Variant type: single nucleotide variant.
Coding change: c.3596T>C on transcript NM_017617.5 (MANE Select); coding-DNA position 3596, T replaced by C.
Protein change: p.Leu1199Pro; replaces leucine 1199 with proline.
Molecular consequence: missense variant.
Genome position (GRCh38, 1-based): chr9:136,507,352, A>G on the plus strand (T>C on the coding strand, the complement: NOTCH1 is on the minus strand). VCF-style: chr9-136507352-A-G. GRCh37 (hg19) VCF-style: chr9-139401804-A-G.
Other names: short protein forms L1199P.
Identifiers: ClinVar variation 2831416 (VCV002831416.3), dbSNP rs2540441220, ClinGen allele CA375549761.

ClinVar aggregate classification (germline): Uncertain significance (1 of 4 stars; one submission).

Conditions:
Adams-Oliver syndrome 5 (AOS5). Identifiers: Orphanet 974, MedGen C4014970, MONDO:0014459, OMIM 616028.

Submission:

Labcorp Genetics (formerly Invitae), Labcorp
Classification: Uncertain significance for Adams-Oliver syndrome 5. Last evaluated: 2025-09-12. Review status: criteria provided, single submitter. Criteria: Invitae Variant Classification Sherloc (09022015). Collection method: clinical testing. Allele origin: germline.
Comment: This sequence change replaces leucine, which is neutral and non-polar, with proline, which is neutral and non-polar, at codon 1199 of the NOTCH1 protein (p.Leu1199Pro). This variant is not present in population databases (gnomAD no frequency). This variant has not been reported in the literature in individuals affected with NOTCH1-related conditions. ClinVar contains an entry for this variant (Variation ID: 2831416). Invitae Evidence Modeling of protein sequence and biophysical properties (such as structural, functional, and spatial information, amino acid conservation, physicochemical variation, residue mobility, and thermodynamic stability) indicates that this missense variant is not expected to disrupt NOTCH1 protein function with a negative predictive value of 80%. In summary, the available evidence is currently insufficient to determine the role of this variant in disease. Therefore, it has been classified as a Variant of Uncertain Significance.